The following is an entry in ClinVar:

NM_001363711.2(DUOX2):c.2335-1G>C

Gene: DUOX2 (dual oxidase 2; minus strand). Cytogenetic location: 15q21.1.
Variant type: single nucleotide variant.
Coding change: c.2335-1G>C on transcript NM_001363711.2 (MANE Select); the canonical splice acceptor site of the intron before coding-DNA position 2335, G replaced by C.
Molecular consequence: splice acceptor variant.
Genome position (GRCh38, 1-based): chr15:45,104,366, C>G on the plus strand (G>C on the coding strand, the complement: DUOX2 is on the minus strand). VCF-style: chr15-45104366-C-G. GRCh37 (hg19) VCF-style: chr15-45396564-C-G.
Other names: c.2335-1G>C (NM_014080.4, NM_014080.5).
Identifiers: ClinVar variation 1457928 (VCV001457928.7), dbSNP rs758001307, ClinGen allele CA7538277.

ClinVar aggregate classification (germline): Pathogenic/Likely pathogenic. Review status: criteria provided, multiple submitters, no conflicts (2 of 4 stars). 2 submissions from 2 submitters: Pathogenic (1); Likely pathogenic (1). Last evaluated 2025-11-17.

Conditions:
Thyroid dyshormonogenesis 6 (TDH6). Also called: Genetic transient congenital hypothyroidism; HYPOTHYROIDISM, CONGENITAL, DUE TO DYSHORMONOGENESIS, 6; THYROID HORMONOGENESIS, GENETIC DEFECT IN, 6. Identifiers: Orphanet 226316, Orphanet 95716, MedGen C1846632, MONDO:0011792, OMIM 607200.

Allele frequency attached by ClinVar (database versions not stated): gnomAD 0.00001; TOPMed 0.00001; ExAC 0.00002; gnomAD exomes 0.00002.
gnomAD v4.1: 16 of 1,613,318 alleles (0.00099%); highest among the groups gnomAD compares: Non-Finnish European, 0.0014%; no homozygotes.

Submissions (2):

Labcorp Genetics (formerly Invitae), Labcorp
Classification: Pathogenic. Last evaluated: 2025-11-17. Review status: criteria provided, single submitter. Criteria: Invitae Variant Classification Sherloc (09022015). Collection method: clinical testing. Allele origin: germline.
Comment: This sequence change affects an acceptor splice site in intron 18 of the DUOX2 gene. It is expected to disrupt RNA splicing. Variants that disrupt the donor or acceptor splice site typically lead to a loss of protein function (PMID: 16199547), and loss-of-function variants in DUOX2 are known to be pathogenic (PMID: 12110737, 18765513, 21565790, 24423310, 24735383). This variant is present in population databases (rs758001307, gnomAD 0.004%). Disruption of this splice site has been observed in individual(s) with congenital hypothyroidism (PMID: 24423310, 26506010). In at least one individual the data is consistent with being in trans (on the opposite chromosome) from a pathogenic variant. ClinVar contains an entry for this variant (Variation ID: 1457928). Algorithms developed to predict the effect of sequence changes on RNA splicing suggest that this variant may disrupt the consensus splice site. For these reasons, this variant has been classified as Pathogenic.

Women's Health and Genetics/Laboratory Corporation of America, LabCorp
Classification: Likely pathogenic for Thyroid dyshormonogenesis 6. Last evaluated: 2023-07-03. Review status: criteria provided, single submitter. Criteria: LabCorp Variant Classification Summary - May 2015. Collection method: clinical testing. Allele origin: germline.
Comment: Variant summary: DUOX2 c.2335-1G>C is located in a canonical splice-site and is predicted to affect mRNA splicing resulting in a significantly altered protein due to either exon skipping, shortening, or inclusion of intronic material. Several computational tools predict a significant impact on normal splicing: Two predict the variant abolishes the canonical 3' splice acceptor site. At least one publication reports in-vitro experimental evidence that this variant affects mRNA splicing by activation of an alternate splice acceptor site located 14 nucleotides upstream of the canonical site in intron 18 (numbered as intron 17 in the report, Belforte_2016). However, the the exact in-vivo implications of this finding on the translational impact are not clear. Furthermore, none of the computational tools predict the reported functional outcome. The variant allele was found at a frequency of 1.6e-05 in 248034 control chromosomes. c.2335-1G>C has been reported in the literature in individuals with clinical and biochemical criteria suggestive of congenital hypothyroidism associated with iodide organification defects in heterozygous (example: Muzza_2014) and compound heterozygous genotypes (example: Belforte_2016). These data suggest the variant is likely to be associated with disease. The following publications have been ascertained in the context of this evaluation (PMID: 26506010, 28648510). One submitter has cited clinical-significance assessments for this variant to ClinVar after 2014 and has classified the variant as pathogenic. Based on the evidence outlined above, the variant was classified as likely pathogenic.

Literature cited by the submitters: PubMed 16199547 (cited by Labcorp Genetics (formerly Invitae), Labcorp); PubMed 12110737 (cited by Labcorp Genetics (formerly Invitae), Labcorp); PubMed 18765513 (cited by Labcorp Genetics (formerly Invitae), Labcorp); PubMed 21565790 (cited by Labcorp Genetics (formerly Invitae), Labcorp); PubMed 24423310 (cited by Labcorp Genetics (formerly Invitae), Labcorp and Women's Health and Genetics/Laboratory Corporation of America, LabCorp); PubMed 24735383 (cited by Labcorp Genetics (formerly Invitae), Labcorp); PubMed 26506010 (cited by Labcorp Genetics (formerly Invitae), Labcorp and Women's Health and Genetics/Laboratory Corporation of America, LabCorp).